The following is an entry in ClinVar:

NM_019066.5(MAGEL2):c.2767G>A (p.Glu923Lys)

Gene: MAGEL2 (MAGE family member L2; minus strand). Cytogenetic location: 15q11.2.
Variant type: single nucleotide variant.
Coding change: c.2767G>A on transcript NM_019066.5 (MANE Select); coding-DNA position 2767, G replaced by A.
Protein change: p.Glu923Lys; replaces glutamic acid 923 with lysine.
Molecular consequence: missense variant.
Genome position (GRCh38, 1-based): chr15:23,644,976, C>T on the plus strand (G>A on the coding strand, the complement: MAGEL2 is on the minus strand). VCF-style: chr15-23644976-C-T. GRCh37 (hg19) VCF-style: chr15-23890123-C-T.
Other names: short protein forms E923K.
Identifiers: ClinVar variation 664065 (VCV000664065.10), dbSNP rs1237560243, ClinGen allele CA391330119.

ClinVar aggregate classification (germline): Uncertain significance. Review status: criteria provided, multiple submitters, no conflicts (2 of 4 stars). 3 submissions from 3 submitters: Uncertain significance (3). Last evaluated 2026-06-30.

Conditions:
MAGEL2-related disorder. Also called: MAGEL2-related condition.
Inborn genetic diseases. Identifiers: MedGen C0950123, MeSH D030342.

Allele frequency attached by ClinVar (database versions not stated): gnomAD 0.00001; gnomAD exomes 0.00001; TOPMed 0.00001.
gnomAD v4.1: 9 of 1,613,728 alleles (0.00056%); highest among the groups gnomAD compares: Non-Finnish European, 0.00068%; no homozygotes.

Submissions (3):

PreventionGenetics, part of Exact Sciences
Classification: Uncertain significance for MAGEL2-related condition. Last evaluated: 2026-06-30. Review status: criteria provided, single submitter. Criteria: ACMG Guidelines, 2015. Collection method: clinical testing. Allele origin: germline.
Comment: The MAGEL2 c.2767G>A variant is predicted to result in the amino acid substitution p.Glu923Lys. To our knowledge, this variant has not been reported in the literature or in a large population database (gnomAD), indicating this variant is rare. At this time, the clinical significance of this variant is uncertain due to the absence of conclusive functional and genetic evidence.

Ambry Genetics
Classification: Uncertain significance for Inborn genetic diseases. Last evaluated: 2023-05-23. Review status: criteria provided, single submitter. Criteria: Ambry Variant Classification Scheme 2023. Collection method: clinical testing. Allele origin: germline.
Comment: The c.2767G>A (p.E923K) alteration is located in exon 1 (coding exon 1) of the MAGEL2 gene. This alteration results from a G to A substitution at nucleotide position 2767, causing the glutamic acid (E) at amino acid position 923 to be replaced by a lysine (K). This variant was not reported in population-based cohorts in the Genome Aggregation Database (gnomAD). This amino acid position is well conserved in available vertebrate species. This alteration is predicted to be tolerated by in silico analysis. Based on insufficient or conflicting evidence, the clinical significance of this alteration remains unclear.

Labcorp Genetics (formerly Invitae), Labcorp
Classification: Uncertain significance. Last evaluated: 2018-08-17. Review status: criteria provided, single submitter. Criteria: Invitae Variant Classification Sherloc (09022015). Collection method: clinical testing. Allele origin: germline.
Comment: This sequence change replaces glutamic acid with lysine at codon 923 of the MAGEL2 protein (p.Glu923Lys). There is a small physicochemical difference between glutamic acid and lysine. This variant is not present in population databases (ExAC no frequency). This variant has not been reported in the literature in individuals with MAGEL2-related disease. Experimental studies and prediction algorithms are not available for this variant, and the functional significance of the affected amino acid(s) is currently unknown. In summary, the available evidence is currently insufficient to determine the role of this variant in disease. Therefore, it has been classified as a Variant of Uncertain Significance.